The following is an entry in ClinVar:

ClinVar aggregate classification (germline): Uncertain significance. Review status: criteria provided, multiple submitters, no conflicts (2 of 4 stars). 3 submissions from 3 submitters: Uncertain significance (3). Last evaluated 2024-07-06.

Conditions:
Familial thoracic aortic aneurysm and aortic dissection (TAAD). Also called: Thoracic aortic aneurysms and dissections. Identifiers: Orphanet 91387, MedGen C4707243, MONDO:0019625.

Allele frequency attached by ClinVar (database versions not stated): TOPMed below 0.00001; gnomAD 0.00001.
gnomAD v4.1: 1 of 1,613,688 alleles (0.000062%); highest among the groups gnomAD compares: African/African-American, 0.0013%; no homozygotes.

Submissions (3):

Ambry Genetics
Classification: Uncertain significance for Familial thoracic aortic aneurysm and aortic dissection. Last evaluated: 2024-07-06. Review status: criteria provided, single submitter. Criteria: Ambry Variant Classification Scheme 2023. Collection method: clinical testing. Allele origin: germline.
Comment: The p.K326R variant (also known as c.977A>G), located in coding exon 6 of the TGFBR1 gene, results from an A to G substitution at nucleotide position 977. The lysine at codon 326 is replaced by arginine, an amino acid with highly similar properties. This amino acid position is conserved. In addition, this alteration is predicted to be deleterious by in silico analysis. Based on the available evidence, the clinical significance of this variant remains unclear.

GeneDx
Classification: Uncertain significance. Last evaluated: 2022-07-13. Review status: criteria provided, single submitter. Criteria: GeneDx Variant Classification Process June 2021. Collection method: clinical testing. Allele origin: germline. Affected: yes.
Comment: Has not been previously published as pathogenic or benign to our knowledge; Not observed at significant frequency in large population cohorts (gnomAD); In silico analysis supports that this missense variant has a deleterious effect on protein structure/function

Labcorp Genetics (formerly Invitae), Labcorp
Classification: Uncertain significance for Familial thoracic aortic aneurysm and aortic dissection. Last evaluated: 2022-04-30. Review status: criteria provided, single submitter. Criteria: Invitae Variant Classification Sherloc (09022015). Collection method: clinical testing. Allele origin: germline.
Comment: This sequence change replaces lysine, which is basic and polar, with arginine, which is basic and polar, at codon 326 of the TGFBR1 protein (p.Lys326Arg). This variant is not present in population databases (gnomAD no frequency). This missense change has been observed in individual(s) with clinical features of TGFBR1-related conditions (Invitae). ClinVar contains an entry for this variant (Variation ID: 213902). Advanced modeling of protein sequence and biophysical properties (such as structural, functional, and spatial information, amino acid conservation, physicochemical variation, residue mobility, and thermodynamic stability) performed at Invitae indicates that this missense variant is expected to disrupt TGFBR1 protein function. In summary, the available evidence is currently insufficient to determine the role of this variant in disease. Therefore, it has been classified as a Variant of Uncertain Significance.

NM_004612.4(TGFBR1):c.977A>G (p.Lys326Arg)

Gene: TGFBR1 (transforming growth factor beta receptor 1; plus strand). Cytogenetic location: 9q22.33.
Variant type: single nucleotide variant.
Coding change: c.977A>G on transcript NM_004612.4 (MANE Select); coding-DNA position 977, A replaced by G.
Protein change: p.Lys326Arg; replaces lysine 326 with arginine.
Molecular consequence: missense variant.
Genome position (GRCh38, 1-based): chr9:99,144,735, A>G. VCF-style: chr9-99144735-A-G. GRCh37 (hg19) VCF-style: chr9-101907017-A-G.
Other names: p.K326R:AAG>AGG; c.746A>G, p.Lys249Arg (NM_001130916.3); c.989A>G, p.Lys330Arg (NM_001306210.2); short protein forms K326R, K249R, K330R.
Identifiers: ClinVar variation 213902 (VCV000213902.14), dbSNP rs863223834, ClinGen allele CA324574.
Genomic context (GRCh38, chr9:99,144,735, plus strand): 5'-GTGAGTTGTGATTGGTATTACCTTTTAAGCAGTCATGTTTAATTTTTGATTCTTTAGGAA[A>G]GCCAGCCATTGCTCATAGAGATTTGAAATCAAAGAATATCTTGGTAAAGAAGAATGGAAC-3'
Protein context (NP_004603.1, residues 316-336): LHMEIVGTQG[Lys326Arg]PAIAHRDLKS